The following is an entry in ClinVar:

NM_004341.5(CAD):c.5394+5G>A

Gene: CAD (carbamoyl-phosphate synthetase 2, aspartate transcarbamylase, and dihydroorotase; plus strand). Cytogenetic location: 2p23.3.
Variant type: single nucleotide variant.
Coding change: c.5394+5G>A on transcript NM_004341.5 (MANE Select); 5 bases into the intron after coding-DNA position 5394, G replaced by A.
Molecular consequence: intron variant.
Genome position (GRCh38, 1-based): chr2:27,239,476, G>A. VCF-style: chr2-27239476-G-A. GRCh37 (hg19) VCF-style: chr2-27462344-G-A.
Other names: c.5205+5G>A (NM_001306079.2).
Identifiers: ClinVar variation 1407888 (VCV001407888.7), dbSNP rs746332676, ClinGen allele CA1573834.

ClinVar aggregate classification (germline): Uncertain significance. Review status: criteria provided, multiple submitters, no conflicts (2 of 4 stars). 2 submissions from 2 submitters: Uncertain significance (2). Last evaluated 2025-04-29.

Allele frequency attached by ClinVar (database versions not stated): gnomAD 0.00001; TOPMed 0.00002; gnomAD exomes 0.00004; ExAC 0.00005.
gnomAD v4.1: 43 of 1,612,694 alleles (0.0027%); highest among the groups gnomAD compares: Admixed American, 0.0067%; no homozygotes.

Submissions (2):

Labcorp Genetics (formerly Invitae), Labcorp
Classification: Uncertain significance. Last evaluated: 2025-04-29. Review status: criteria provided, single submitter. Criteria: Invitae Variant Classification Sherloc (09022015). Collection method: clinical testing. Allele origin: germline.
Comment: This sequence change falls in intron 33 of the CAD gene. It does not directly change the encoded amino acid sequence of the CAD protein. It affects a nucleotide within the consensus splice site. This variant is present in population databases (rs746332676, gnomAD 0.01%). This variant has not been reported in the literature in individuals affected with CAD-related conditions. ClinVar contains an entry for this variant (Variation ID: 1407888). Variants that disrupt the consensus splice site are a relatively common cause of aberrant splicing (PMID: 17576681, 9536098). Algorithms developed to predict the effect of sequence changes on RNA splicing suggest that this variant is not likely to affect RNA splicing. In summary, the available evidence is currently insufficient to determine the role of this variant in disease. Therefore, it has been classified as a Variant of Uncertain Significance.

Blueprint Genetics
Classification: Uncertain significance. Last evaluated: 2022-02-23. Review status: criteria provided, single submitter. Criteria: ACMG Guidelines, 2015. Collection method: clinical testing. Allele origin: germline.

Literature cited by the submitters: PubMed 17576681 (cited by Labcorp Genetics (formerly Invitae), Labcorp); PubMed 9536098 (cited by Labcorp Genetics (formerly Invitae), Labcorp).